The following is an entry in ClinVar:

ClinVar aggregate classification (germline): Uncertain significance (1 of 4 stars; one submission).

Conditions:
Cystic fibrosis (CF). Also called: MUCOVISCIDOSIS. Identifiers: Orphanet 586, MedGen C0010674, MONDO:0009061, OMIM 219700. Disease mechanism: loss of function.

Submission:

Ambry Genetics
Classification: Uncertain significance for Cystic fibrosis. Last evaluated: 2025-09-01. Review status: criteria provided, single submitter. Criteria: Ambry Variant Classification Scheme 2023. Collection method: clinical testing. Allele origin: germline.
Comment: The p.K598T variant (also known as c.1793A>C), located in coding exon 14 of the CFTR gene, results from an A to C substitution at nucleotide position 1793. The lysine at codon 598 is replaced by threonine, an amino acid with similar properties. This amino acid position is conserved. In addition, this alteration is predicted to be deleterious by in silico analysis. Based on the available evidence, the clinical significance of this variant remains unclear.

NM_000492.4(CFTR):c.1793A>C (p.Lys598Thr)

Gene: CFTR (CF transmembrane conductance regulator; plus strand). Cytogenetic location: 7q31.2.
Variant type: single nucleotide variant.
Coding change: c.1793A>C on transcript NM_000492.4 (MANE Select); coding-DNA position 1793, A replaced by C.
Protein change: p.Lys598Thr; replaces lysine 598 with threonine.
Molecular consequence: missense variant.
Genome position (GRCh38, 1-based): chr7:117,591,960, A>C. VCF-style: chr7-117591960-A-C. GRCh37 (hg19) VCF-style: chr7-117232014-A-C.
Other names: short protein forms K598T.
Identifiers: ClinVar variation 4227445 (VCV004227445.1).